The following is an entry in ClinVar:

ClinVar aggregate classification (germline): Uncertain significance. Review status: criteria provided, multiple submitters, no conflicts (2 of 4 stars). 3 submissions from 3 submitters: Uncertain significance (3). Last evaluated 2025-05-30.

Conditions:
Hypogonadotropic hypogonadism 5 with or without anosmia (KAL5). Also called: HYPOGONADOTROPIC HYPOGONADISM 5 WITH ANOSMIA; CHD7-Related GnRH Deficiency (Kallmann Syndrome 5); HYPOGONADOTROPHIC HYPOGONADISM 5 WITHOUT ANOSMIA. Identifiers: Orphanet 478, MedGen C3552553, MONDO:0012880, OMIM 612370. Disease mechanism: loss of function.
CHARGE syndrome (CHARGE). Also called: Hittner Hirsch Kreh syndrome; CHARGE ASSOCIATION--COLOBOMA, HEART ANOMALY, CHOANAL ATRESIA, RETARDATION, GENITAL AND EAR ANOMALIES; Coloboma, heart anomaly, choanal atresia, retardation, genital and ear anomalies; CHARGE association; Hall-Hittner syndrome. Identifiers: Orphanet 138, MedGen C0265354, MONDO:0008965.

Allele frequency attached by ClinVar (database versions not stated): gnomAD 0.00001; gnomAD exomes 0.00001; TOPMed 0.00001.
gnomAD v4.1: 17 of 1,613,928 alleles (0.0011%); highest among the groups gnomAD compares: Non-Finnish European, 0.0014%; no homozygotes.

Submissions (3):

Labcorp Genetics (formerly Invitae), Labcorp
Classification: Uncertain significance for CHARGE syndrome. Last evaluated: 2025-05-30. Review status: criteria provided, single submitter. Criteria: Invitae Variant Classification Sherloc (09022015). Collection method: clinical testing. Allele origin: germline.
Comment: This sequence change replaces asparagine, which is neutral and polar, with serine, which is neutral and polar, at codon 449 of the CHD7 protein (p.Asn449Ser). This variant is not present in population databases (gnomAD no frequency). This variant has not been reported in the literature in individuals affected with CHD7-related conditions. ClinVar contains an entry for this variant (Variation ID: 1313508). Invitae Evidence Modeling of protein sequence and biophysical properties (such as structural, functional, and spatial information, amino acid conservation, physicochemical variation, residue mobility, and thermodynamic stability) indicates that this missense variant is not expected to disrupt CHD7 protein function with a negative predictive value of 95%. In summary, the available evidence is currently insufficient to determine the role of this variant in disease. Therefore, it has been classified as a Variant of Uncertain Significance.

GeneDx
Classification: Uncertain significance. Last evaluated: 2024-11-22. Review status: criteria provided, single submitter. Criteria: GeneDx Variant Classification Process June 2021. Collection method: clinical testing. Allele origin: germline. Affected: yes.
Comment: Not observed at significant frequency in large population cohorts (gnomAD); In silico analysis indicates that this missense variant does not alter protein structure/function; Has not been previously published as pathogenic or benign to our knowledge

Fulgent Genetics
Classification: Uncertain significance for CHD7-related CHARGE syndrome; Hypogonadotropic hypogonadism 5 with or without anosmia. Last evaluated: 2021-07-27. Review status: criteria provided, single submitter. Criteria: ACMG Guidelines, 2015. Collection method: clinical testing. Allele origin: unknown.

NM_017780.4(CHD7):c.1346A>G (p.Asn449Ser)

Gene: CHD7 (chromodomain helicase DNA binding protein 7; plus strand). Cytogenetic location: 8q12.2.
Variant type: single nucleotide variant.
Coding change: c.1346A>G on transcript NM_017780.4 (MANE Select); coding-DNA position 1346, A replaced by G.
Protein change: p.Asn449Ser; replaces asparagine 449 with serine.
Molecular consequence: missense variant.
Genome position (GRCh38, 1-based): chr8:60,742,778, A>G. VCF-style: chr8-60742778-A-G. GRCh37 (hg19) VCF-style: chr8-61655337-A-G.
Other names: c.1346A>G, p.Asn449Ser (NM_001316690.1); short protein forms N449S.
Identifiers: ClinVar variation 1313508 (VCV001313508.5), dbSNP rs1208556547, ClinGen allele CA371302412.